The following is an entry in ClinVar:

ClinVar aggregate classification (germline): Benign/Likely benign. Review status: criteria provided, multiple submitters, no conflicts (2 of 4 stars). 10 submissions from 10 submitters: Benign (1); Likely benign (9). Last evaluated 2026-05-19.

Conditions:
Hereditary cancer-predisposing syndrome. Also called: Neoplastic Syndromes, Hereditary; Hereditary Cancer Syndrome; Tumor predisposition; Hereditary neoplastic syndrome. Identifiers: Orphanet 140162, MedGen C0027672, MeSH D009386, MONDO:0015356.
Neurofibromatosis, type 1 (NF1). Also called: Peripheral type neurofibromatosis; Neurofibromatosis, type I; VON RECKLINGHAUSEN DISEASE; NEUROFIBROMATOSIS, TYPE I, SOMATIC. Identifiers: Orphanet 636, MedGen C0027831, MONDO:0018975, OMIM 162200. Disease mechanism: loss of function.
Juvenile myelomonocytic leukemia (JMML). Also called: LEUKEMIA, JUVENILE MYELOMONOCYTIC, SOMATIC. Identifiers: Orphanet 86834, MedGen C0349639, MONDO:0011908, OMIM 607785, HP:0012209.
Neurofibromatosis-Noonan syndrome (NFNS). Also called: NEUROFIBROMATOSIS WITH NOONAN PHENOTYPE. Identifiers: Orphanet 638, MedGen C2931482, MONDO:0011035, OMIM 601321. Disease mechanism: loss of function.
Café-au-lait macules with pulmonary stenosis (WTSN). Also called: PULMONIC STENOSIS WITH CAFE-AU-LAIT SPOTS. Identifiers: MedGen C0553586, MONDO:0008672, OMIM 193520.
Neurofibromatosis, familial spinal (FSNF). Identifiers: Orphanet 636, MedGen C1834235, MONDO:0008078, OMIM 162210. Disease mechanism: loss of function.

Allele frequency attached by ClinVar (database versions not stated): gnomAD 0.00001; gnomAD exomes 0.00001; TOPMed 0.00001; ExAC 0.00002.
gnomAD v4.1: 16 of 1,612,222 alleles (0.00099%); highest among the groups gnomAD compares: South Asian, 0.0044%; no homozygotes.

Submissions (10):

Myriad Genetics, Inc.
Classification: Benign for Neurofibromatosis, type 1. Last evaluated: 2026-05-19. Review status: criteria provided, single submitter. Criteria: Myriad Autosomal Dominant, Autosomal Recessive and X-Linked Classification Criteria (2023). Collection method: clinical testing. Allele origin: unknown.
Comment: This variant is considered benign. This variant is a silent/synonymous amino acid change and it is not expected to impact splicing.

Labcorp Genetics (formerly Invitae), Labcorp
Classification: Likely benign for Neurofibromatosis, type 1. Last evaluated: 2026-01-04. Review status: criteria provided, single submitter. Criteria: Invitae Variant Classification Sherloc (09022015). Collection method: clinical testing. Allele origin: germline.

Quest Diagnostics Nichols Institute San Juan Capistrano
Classification: Likely benign. Last evaluated: 2025-03-18. Review status: criteria provided, single submitter. Criteria: Quest Diagnostics criteria. Collection method: clinical testing. Allele origin: unknown.

Institute for Biomarker Research, Medical Diagnostic Laboratories, L.L.C.
Classification: Likely benign for Hereditary cancer-predisposing syndrome. Last evaluated: 2024-05-28. Review status: criteria provided, single submitter. Criteria: ACMG Guidelines, 2015. Collection method: clinical testing. Allele origin: germline.

Blueprint Genetics
Classification: Likely benign. Last evaluated: 2024-05-14. Review status: criteria provided, single submitter. Criteria: ACMG Guidelines, 2015. Collection method: clinical testing. Allele origin: germline.

Sema4
Classification: Likely benign for Hereditary cancer-predisposing syndrome. Last evaluated: 2022-03-18. Review status: criteria provided, single submitter. Criteria: Sema4 Curation Guidelines. Collection method: curation. Allele origin: germline.

Genome-Nilou Lab
Classification: Likely benign for Neurofibromatosis, type 1. Last evaluated: 2022-03-15. Review status: criteria provided, single submitter. Criteria: ACMG Guidelines, 2015. Collection method: clinical testing. Allele origin: germline. Affected: no.

Fulgent Genetics
Classification: Likely benign for Neurofibromatosis, type 1; Neurofibromatosis, familial spinal; Café-au-lait macules with pulmonary stenosis; Neurofibromatosis-Noonan syndrome; Juvenile myelomonocytic leukemia. Last evaluated: 2022-02-08. Review status: criteria provided, single submitter. Criteria: ACMG Guidelines, 2015. Collection method: clinical testing. Allele origin: unknown.

GeneDx
Classification: Likely benign. Last evaluated: 2017-12-11. Review status: criteria provided, single submitter. Criteria: GeneDx Variant Classification (06012015). Collection method: clinical testing. Allele origin: germline. Affected: yes.
Comment: This variant is considered likely benign or benign based on one or more of the following criteria: it is a conservative change, it occurs at a poorly conserved position in the protein, it is predicted to be benign by multiple in silico algorithms, and/or has population frequency not consistent with disease.

Ambry Genetics
Classification: Likely benign for Hereditary cancer-predisposing syndrome. Last evaluated: 2015-01-22. Review status: criteria provided, single submitter. Criteria: Ambry Autosomal Dominant and X-Linked criteria (10/2015). Collection method: clinical testing. Allele origin: germline. Observed: 1 variant allele.

NM_001042492.3(NF1):c.4635C>T (p.Tyr1545=)

Gene: NF1 (neurofibromin 1; plus strand). Cytogenetic location: 17q11.2.
Variant type: single nucleotide variant.
Coding change: c.4635C>T on transcript NM_001042492.3 (MANE Select); coding-DNA position 4635, C replaced by T.
Protein change: p.Tyr1545=; no amino-acid change (tyrosine 1545 retained).
Molecular consequence: synonymous variant.
Genome position (GRCh38, 1-based): chr17:31,261,768, C>T. VCF-style: chr17-31261768-C-T. GRCh37 (hg19) VCF-style: chr17-29588786-C-T.
Other names: c.4572C>T, p.Tyr1524= (NM_000267.4).
Identifiers: ClinVar variation 230136 (VCV000230136.20), dbSNP rs754023358, ClinGen allele CA8486451.